The following is an entry in ClinVar:

ClinVar aggregate classification (germline): Likely benign. Review status: criteria provided, single submitter (1 of 4 stars). 2 submissions from 2 submitters: Likely benign (1). 1 of the submissions does not count toward it. Last evaluated 2025-06-11.

Conditions:
POLR3A-related disorder. Also called: POLR3A-related condition; POLR3A-related disorders. Identifiers: MedGen CN378587, MONDO:0700276.

Allele frequency attached by ClinVar (database versions not stated): gnomAD 0.00001; gnomAD exomes 0.00001; ExAC 0.00002.
gnomAD v4.1: 7 of 1,613,594 alleles (0.00043%); highest among the groups gnomAD compares: East Asian, 0.0022%; no homozygotes.

Submissions (2):

Labcorp Genetics (formerly Invitae), Labcorp
Classification: Likely benign. Last evaluated: 2025-06-11. Review status: criteria provided, single submitter. Criteria: Invitae Variant Classification Sherloc (09022015). Collection method: clinical testing. Allele origin: germline.

PreventionGenetics, part of Exact Sciences
Classification: Likely benign for POLR3A-related condition. Last evaluated: 2021-05-10. Review status: no assertion criteria provided. Collection method: clinical testing. Allele origin: germline. Not counted in ClinVar's aggregate classification.
Comment: This variant is classified as likely benign based on ACMG/AMP sequence variant interpretation guidelines (Richards et al. 2015 PMID: 25741868, with internal and published modifications).

NM_007055.4(POLR3A):c.3561C>T (p.Tyr1187=)

Gene: POLR3A (RNA polymerase III subunit A; minus strand). Cytogenetic location: 10q22.3.
Variant type: single nucleotide variant.
Coding change: c.3561C>T on transcript NM_007055.4 (MANE Select); coding-DNA position 3561, C replaced by T.
Protein change: p.Tyr1187=; no amino-acid change (tyrosine 1187 retained).
Molecular consequence: synonymous variant.
Genome position (GRCh38, 1-based): chr10:77,982,686, G>A on the plus strand (C>T on the coding strand, the complement: POLR3A is on the minus strand). VCF-style: chr10-77982686-G-A. GRCh37 (hg19) VCF-style: chr10-79742444-G-A.
Identifiers: ClinVar variation 3036037 (VCV003036037.3), dbSNP rs761661211, ClinGen allele CA5570797.